The following is an entry in ClinVar:

NM_015192.4(PLCB1):c.1303G>A (p.Ala435Thr)

Gene: PLCB1 (phospholipase C beta 1; plus strand). Cytogenetic location: 20p12.3.
Variant type: single nucleotide variant.
Coding change: c.1303G>A on transcript NM_015192.4 (MANE Select); coding-DNA position 1303, G replaced by A.
Protein change: p.Ala435Thr; replaces alanine 435 with threonine.
Molecular consequence: missense variant.
Genome position (GRCh38, 1-based): chr20:8,716,316, G>A. VCF-style: chr20-8716316-G-A. GRCh37 (hg19) VCF-style: chr20-8696963-G-A.
Other names: c.1303G>A, p.Ala435Thr (NM_182734.3); short protein forms A435T.
Identifiers: ClinVar variation 2016275 (VCV002016275.4), dbSNP rs1022261138, ClinGen allele CA311246889.

ClinVar aggregate classification (germline): Uncertain significance (1 of 4 stars; one submission).

Conditions:
Developmental and epileptic encephalopathy, 12 (DEE12). Identifiers: MedGen C3150988, MONDO:0013389, OMIM 613722.

Submission:

Labcorp Genetics (formerly Invitae), Labcorp
Classification: Uncertain significance for Developmental and epileptic encephalopathy, 12. Last evaluated: 2022-07-12. Review status: criteria provided, single submitter. Criteria: Invitae Variant Classification Sherloc (09022015). Collection method: clinical testing. Allele origin: germline.
Comment: In summary, the available evidence is currently insufficient to determine the role of this variant in disease. Therefore, it has been classified as a Variant of Uncertain Significance. This variant is not present in population databases (gnomAD no frequency). This variant has not been reported in the literature in individuals affected with PLCB1-related conditions. Algorithms developed to predict the effect of missense changes on protein structure and function (SIFT, PolyPhen-2, Align-GVGD) all suggest that this variant is likely to be tolerated. This sequence change replaces alanine, which is neutral and non-polar, with threonine, which is neutral and polar, at codon 435 of the PLCB1 protein (p.Ala435Thr).